The following is an entry in ClinVar:

ClinVar aggregate classification (germline): Uncertain significance. Review status: criteria provided, multiple submitters, no conflicts (2 of 4 stars). 2 submissions from 2 submitters: Uncertain significance (2). Last evaluated 2026-06-25.

Conditions:
Tuberous sclerosis 2 (TSC2). Identifiers: Orphanet 805, MedGen C1860707, MONDO:0013199, OMIM 613254.
Hereditary cancer-predisposing syndrome. Also called: Tumor predisposition; Hereditary Cancer Syndrome; Hereditary neoplastic syndrome; Neoplastic Syndromes, Hereditary. Identifiers: Orphanet 140162, MedGen C0027672, MeSH D009386, MONDO:0015356.

Submissions (2):

Ambry Genetics
Classification: Uncertain significance for Hereditary cancer-predisposing syndrome. Last evaluated: 2026-06-25. Review status: criteria provided, single submitter. Criteria: Ambry Variant Classification Scheme 2023. Collection method: clinical testing. Allele origin: germline.
Comment: The p.L565P variant (also known as c.1694T>C), located in coding exon 15 of the TSC2 gene, results from a T to C substitution at nucleotide position 1694. The leucine at codon 565 is replaced by proline, an amino acid with similar properties. This amino acid position is highly conserved in available vertebrate species. In addition, this alteration is predicted to be deleterious by in silico analysis. Based on the available evidence, the clinical significance of this variant remains unclear.

Labcorp Genetics (formerly Invitae), Labcorp
Classification: Uncertain significance for Tuberous sclerosis 2. Last evaluated: 2020-09-08. Review status: criteria provided, single submitter. Criteria: Invitae Variant Classification Sherloc (09022015). Collection method: clinical testing. Allele origin: germline.
Comment: In summary, the available evidence is currently insufficient to determine the role of this variant in disease. Therefore, it has been classified as a Variant of Uncertain Significance. Advanced modeling of protein sequence and biophysical properties (such as structural, functional, and spatial information, amino acid conservation, physicochemical variation, residue mobility, and thermodynamic stability) performed at Invitae indicates that this missense variant is not expected to disrupt TSC2 protein function. This variant has not been reported in the literature in individuals with TSC2-related conditions. This variant is not present in population databases (ExAC no frequency). This sequence change replaces leucine with proline at codon 565 of the TSC2 protein (p.Leu565Pro). The leucine residue is highly conserved and there is a moderate physicochemical difference between leucine and proline.

NM_000548.5(TSC2):c.1694T>C (p.Leu565Pro)

Gene: TSC2 (TSC complex subunit 2; plus strand). Cytogenetic location: 16p13.3.
Variant type: single nucleotide variant.
Coding change: c.1694T>C on transcript NM_000548.5 (MANE Select); coding-DNA position 1694, T replaced by C.
Protein change: p.Leu565Pro; replaces leucine 565 with proline.
Molecular consequence: missense variant.
Genome position (GRCh38, 1-based): chr16:2,065,613, T>C. VCF-style: chr16-2065613-T-C. GRCh37 (hg19) VCF-style: chr16-2115614-T-C.
Other names: c.1694T>C (NM_000548.3); c.1694T>C, p.Leu565Pro (NM_001077183.3, NM_001114382.3, NM_001363528.2 and 3 more transcripts); c.1583T>C, p.Leu528Pro (NM_001318827.2); c.1547T>C, p.Leu516Pro (NM_001318829.2); c.1094T>C, p.Leu365Pro (NM_001318831.2); c.1727T>C, p.Leu576Pro (NM_001318832.2); short protein forms L365P, L516P, L528P, L565P, L576P.
Identifiers: ClinVar variation 1054895 (VCV001054895.10), dbSNP rs2087239987, ClinGen allele CA394270615.